The following is an entry in ClinVar:

ClinVar aggregate classification (germline): Conflicting classifications of pathogenicity. Review status: criteria provided, conflicting classifications (1 of 4 stars). 8 submissions from 8 submitters: Uncertain significance (5); Likely benign (1). 2 of the submissions do not count toward it. Last evaluated 2025-11-21.

Conditions:
Cardiovascular phenotype. Identifiers: MedGen CN230736.
Alstrom syndrome (ALMS). Identifiers: Orphanet 64, MedGen C0268425, MONDO:0008763, OMIM 203800.
Retinal dystrophy. Also called: Inherited retinal dystrophy. Identifiers: Orphanet 71862, MedGen C0854723, MeSH D058499, MONDO:0019118, HP:0000556.

Allele frequency attached by ClinVar (database versions not stated): TOPMed below 0.00001.
gnomAD v4.1: 7 of 1,613,294 alleles (0.00043%); highest among the groups gnomAD compares: East Asian, 0.0022%; no homozygotes.

Submissions (8):

Labcorp Genetics (formerly Invitae), Labcorp
Classification: Uncertain significance for Alstrom syndrome. Last evaluated: 2025-11-21. Review status: criteria provided, single submitter. Criteria: Invitae Variant Classification Sherloc (09022015). Collection method: clinical testing. Allele origin: germline.
Comment: This sequence change replaces valine, which is neutral and non-polar, with isoleucine, which is neutral and non-polar, at codon 117 of the ALMS1 protein (p.Val117Ile). This variant is not present in population databases (gnomAD no frequency). This variant has not been reported in the literature in individuals affected with ALMS1-related conditions. ClinVar contains an entry for this variant (Variation ID: 432725). Experimental studies and prediction algorithms are not available or were not evaluated, and the functional significance of this variant is currently unknown. In summary, the available evidence is currently insufficient to determine the role of this variant in disease. Therefore, it has been classified as a Variant of Uncertain Significance.

Blueprint Genetics
Classification: Uncertain significance. Last evaluated: 2024-08-12. Review status: criteria provided, single submitter. Criteria: ACMG Guidelines, 2015. Collection method: clinical testing. Allele origin: germline.

Ambry Genetics
Classification: Likely benign for Cardiovascular phenotype. Last evaluated: 2024-07-03. Review status: criteria provided, single submitter. Criteria: Ambry Variant Classification Scheme 2023. Collection method: clinical testing. Allele origin: germline.

GeneDx
Classification: Uncertain significance. Last evaluated: 2023-09-15. Review status: criteria provided, single submitter. Criteria: GeneDx Variant Classification Process June 2021. Collection method: clinical testing. Allele origin: germline. Affected: yes.
Comment: Not observed at significant frequency in large population cohorts (gnomAD); In silico analysis supports that this missense variant does not alter protein structure/function; Has not been previously published as pathogenic or benign to our knowledge

Women's Health and Genetics/Laboratory Corporation of America, LabCorp
Classification: Uncertain significance. Last evaluated: 2023-07-17. Review status: criteria provided, single submitter. Criteria: LabCorp Variant Classification Summary - May 2015. Collection method: clinical testing. Allele origin: germline.

Fulgent Genetics
Classification: Uncertain significance for Alstrom syndrome. Last evaluated: 2022-03-08. Review status: criteria provided, single submitter. Criteria: ACMG Guidelines, 2015. Collection method: clinical testing. Allele origin: unknown.

Institute of Human Genetics, Univ. Regensburg, Univ. Regensburg
Classification: Uncertain significance for Retinal dystrophy. Last evaluated: 2023-01-01. Review status: no assertion criteria provided. Criteria: ACMG Guidelines, 2015. Collection method: clinical testing. Allele origin: germline. Affected: yes. Not counted in ClinVar's aggregate classification.

Natera, Inc.
Classification: Uncertain significance for Alstrom syndrome. Last evaluated: 2021-02-17. Review status: no assertion criteria provided. Collection method: clinical testing. Allele origin: germline. Not counted in ClinVar's aggregate classification.

NM_001378454.1(ALMS1):c.346G>A (p.Val116Ile)

Gene: ALMS1 (ALMS1 centrosome and basal body associated protein; plus strand). Cytogenetic location: 2p13.1.
Variant type: single nucleotide variant.
Coding change: c.346G>A on transcript NM_001378454.1 (MANE Select); coding-DNA position 346, G replaced by A.
Protein change: p.Val116Ile; replaces valine 116 with isoleucine.
Molecular consequence: missense variant.
Genome position (GRCh38, 1-based): chr2:73,408,643, G>A. VCF-style: chr2-73408643-G-A. GRCh37 (hg19) VCF-style: chr2-73635771-G-A.
Other names: c.349G>A, p.Val117Ile (NM_015120.4); short protein forms V117I, V116I.
Identifiers: ClinVar variation 432725 (VCV000432725.19), dbSNP rs752342634, ClinGen allele CA50351990.